The following is an entry in ClinVar:

ClinVar aggregate classification (germline): Pathogenic/Likely pathogenic. Review status: criteria provided, multiple submitters, no conflicts (2 of 4 stars). 13 submissions from 13 submitters: Pathogenic (11); Likely pathogenic (1). 1 of the submissions does not count toward it. Last evaluated 2026-04-23.
ClinVar aggregate classification (oncogenicity): Likely oncogenic (0 of 4 stars; one submission).

Conditions:
Familial hyperparathyroidism or Hypocalciuric hypercalcaemia.
Hereditary cancer-predisposing syndrome. Also called: Neoplastic Syndromes, Hereditary; Tumor predisposition; Hereditary Cancer Syndrome; Hereditary neoplastic syndrome. Identifiers: Orphanet 140162, MedGen C0027672, MeSH D009386, MONDO:0015356.
Multiple endocrine neoplasia, type 1 (MEN1). Also called: WERMER SYNDROME; MEA I; Endocrine adenomatosis multiple; MEN 1; MEN I. Identifiers: Orphanet 652, MedGen C0025267, MeSH D018761, MONDO:0007540, OMIM 131100.
Neuroendocrine tumor of pancreas. Also called: Neuroendocrine pancreatic tumor. Identifiers: Orphanet 97253, MedGen C1337011, MONDO:0019954.

Submissions 1 to 9 of 14:

Women's Health and Genetics/Laboratory Corporation of America, LabCorp
Classification: Pathogenic for Multiple endocrine neoplasia, type 1. Last evaluated: 2026-04-23. Review status: criteria provided, single submitter. Criteria: LabCorp Variant Classification Summary - May 2015. Collection method: clinical testing. Allele origin: germline.
Comment: Variant summary: MEN1 c.1579C>T (p.Arg527X) results in a premature termination codon in the last exon, predicted to cause a truncation of the encoded protein, however, nonsense mediated decay is not expected to occur. The variant was absent in 248360 control chromosomes. c.1579C>T has been observed segregating with disease in at least 1 family affected with clinical features of Multiple Endocrine Neoplasia Type 1 (example, Hasani-Ranjbar_2014). These report(s) do not provide unequivocal conclusions about association of the variant with Multiple Endocrine Neoplasia Type 1. To our knowledge, no experimental evidence demonstrating an impact on protein function has been reported. At least one downstream variant has been classified as Pathogenic/Likely Pathogenic (c.1664G>A, p.Ser555Asn) by our lab, providing evidence that the region altered by the variant is critical to protein function. The following publication has been ascertained in the context of this evaluation (PMID: 24218143). ClinVar contains an entry for this variant (Variation ID: 16688). Based on the evidence outlined above, the variant was classified as pathogenic.

Labcorp Genetics (formerly Invitae), Labcorp
Classification: Pathogenic for Multiple endocrine neoplasia, type 1. Last evaluated: 2025-07-31. Review status: criteria provided, single submitter. Criteria: Invitae Variant Classification Sherloc (09022015). Collection method: clinical testing. Allele origin: germline.
Comment: This sequence change creates a premature translational stop signal (p.Arg527*) in the MEN1 gene. While this is not anticipated to result in nonsense mediated decay, it is expected to disrupt the last 84 amino acid(s) of the MEN1 protein. This variant is not present in population databases (gnomAD no frequency). This premature translational stop signal has been observed in individuals with multiple endocrine neoplasia type I syndrome (MEN1) and MEN1-related disease (PMID: 9103196, 9709921, 22470073, 24218143, 25309785, 27846313, 29036195). It has also been observed to segregate with disease in related individuals. Invitae Evidence Modeling of clinical and family history, age, sex, and reported ancestry of multiple individuals with this MEN1 variant has been performed. This variant is expected to be pathogenic with a positive predictive value of at least 99%. This is a validated machine learning model that incorporates the clinical features of 1,366,787 individuals referred to our laboratory for MEN1 testing. This variant is also known as c.1594C>T (p.Arg532X) and c.1689C>T. ClinVar contains an entry for this variant (Variation ID: 16688). This variant disrupts a region of the MEN1 protein in which other variant(s) (p.Gln554*) have been determined to be pathogenic (PMID: 11578300, 15331604, 16449969, 17853334). This suggests that this is a clinically significant region of the protein, and that variants that disrupt it are likely to be disease-causing. For these reasons, this variant has been classified as Pathogenic.

Mayo Clinic Laboratories, Mayo Clinic
Classification: Pathogenic. Last evaluated: 2025-04-02. Review status: criteria provided, single submitter. Criteria: ACMG Guidelines, 2015. Collection method: clinical testing. Allele origin: germline. Observed: 2 variant alleles.
Comment: PP1_moderate, PM2_supporting, PS3_moderate, PS4_moderate, PVS1_strong

Myriad Genetics, Inc.
Classification: Pathogenic for Multiple endocrine neoplasia, type 1. Last evaluated: 2025-03-28. Review status: criteria provided, single submitter. Criteria: Myriad Autosomal Dominant, Autosomal Recessive and X-Linked Classification Criteria (2023). Collection method: clinical testing. Allele origin: unknown.
Comment: This variant is considered pathogenic. This variant creates a termination codon and is predicted to result in premature protein truncation.

Cambridge Genomics Laboratory, East Genomic Laboratory Hub, NHS Genomic Medicine Service
Classification: Pathogenic for Familial hyperparathyroidism or Hypocalciuric hypercalcaemia. Last evaluated: 2024-11-06. Review status: criteria provided, single submitter. Criteria: ACGS Best Practice Guidelines for Variant Classification in Rare Disease 2020. Collection method: clinical testing. Allele origin: germline. Affected: yes.
Comment: PVS1_Strong,PS4_Moderate,PM2,PP4_Moderate

Athena Diagnostics
Classification: Pathogenic. Last evaluated: 2024-09-13. Review status: criteria provided, single submitter. Criteria: Athena Diagnostics Criteria. Collection method: clinical testing. Allele origin: unknown.
Comment: This variant has not been reported in large, multi-ethnic general populations (Genome Aggregation Database (gnomAD), Cambridge, MA (URL)). This variant is not expected to cause loss of protein expression through nonsense-mediated decay, however, similar variants in this region have been associated with disease, and therefore, this variant is also expected to contribute to disease. This variant has been identified in multiple unrelated individuals with clinical features associated with this gene. Assessment of experimental evidence suggests this variant results in abnormal protein function. (PMID: 15331604)

All of Us Research Program, National Institutes of Health
Classification: Pathogenic for Multiple endocrine neoplasia, type 1. Last evaluated: 2023-11-08. Review status: criteria provided, single submitter. Criteria: ACMG Guidelines, 2015. Collection method: clinical testing. Allele origin: germline. Inheritance: Autosomal dominant inheritance. Observed: 1 variant allele, 1 heterozygote.
Comment: The c.1579C>T (p.Arg527*) variant in the MEN1 gene is predicted to result in an absent or truncated protein product. This variant has been reported in several individuals (>10) with multiple endocrine neoplasia type 1 (MEN1) or MEN1 related diseases (PMID: 9103196, 29036195, 25309785, 9709921, 22470073, 27846313, 29092957, 32761341, 30820182, 9681840, 11303512). This variant is reported to segregate with disease in two families (PMID: 24218143, 12016470). Loss of function variants of MEN1 are known to be pathogenic (PMID: 32780883, 31044390, 32430905). Truncating variants downstream of this variant are reported in individuals with MEN1 related phenotypes (PMID: 12112656, 15714081, 17853334). This variant is found to be absent in the general population database (gnomAD) and interpreted as pathogenic by several submitters in the ClinVar database (ClinVar ID: 16688). Therefore, the c.1579C>T (p.Arg527*) variant in the MEN1 gene is classified as pathogenic.

This study involves interpretation of variants in research participants for the purpose of population health screening. Participant phenotype was not available at the time of variant classification. Additional details can be found in publication PMID: 35346344, PMCID: PMC8962531

CeGaT Center for Human Genetics Tuebingen
Classification: Likely pathogenic. Last evaluated: 2023-06-01. Review status: criteria provided, single submitter. Criteria: CeGaT Center For Human Genetics Tuebingen Variant Classification Criteria Version 2. Collection method: clinical testing. Allele origin: germline. Affected: yes. Observed: 1 variant allele.
Comment: MEN1: PVS1:Strong, PM2, PS4:Moderate, PP1

Ambry Genetics
Classification: Pathogenic for Hereditary cancer-predisposing syndrome. Last evaluated: 2021-10-15. Review status: criteria provided, single submitter. Criteria: Ambry Variant Classification Scheme 2023. Collection method: clinical testing. Allele origin: germline.
Comment: The p.R527* pathogenic mutation (also known as c.1579C>T), located in coding exon 9 of the MEN1 gene, results from a C to T substitution at nucleotide position 1579. This changes the amino acid from an arginine to a stop codon within coding exon 9. This alteration occurs at the 3' terminus of MEN1 gene, is not expected to trigger nonsense-mediated mRNA decay, and only impacts the last 84 amino acids of the protein. However, premature stop codons are typically deleterious in nature and a significant portion of the protein is affected (Ambry internal data). This variant has been reported in multiple unrelated individuals affected with MEN1 syndrome (Chandrasekharappa S et al Science. 1997 Apr 18;276(5311):404-7; Chung YJ et al. Endocrinol Metab (Seoul). 2014 Sep;29:270-9; Pardi E et al. PLoS One. 2017 Oct;12:e0186485). This variant is considered to be rare based on population cohorts in the Genome Aggregation Database (gnomAD). Based on the supporting evidence, this alteration is interpreted as a disease-causing mutation.

NM_001370259.2(MEN1):c.1579C>T (p.Arg527Ter)

Gene: MEN1 (menin 1; minus strand). Cytogenetic location: 11q13.1.
Variant type: single nucleotide variant.
Coding change: c.1579C>T on transcript NM_001370259.2 (MANE Select); coding-DNA position 1579, C replaced by T.
Protein change: p.Arg527Ter; replaces arginine 527 with a stop codon.
Molecular consequence: nonsense.
Genome position (GRCh38, 1-based): chr11:64,804,588, G>A on the plus strand (C>T on the coding strand, the complement: MEN1 is on the minus strand). VCF-style: chr11-64804588-G-A. GRCh37 (hg19) VCF-style: chr11-64572060-G-A.
Other names: p.R527*:CGA>TGA; p.Arg527*; c.[1579C>T] (NM_130799.2); c.1594C>T, p.Arg532Ter (NM_000244.4, NM_130800.3, NM_130801.3 and 3 more transcripts); c.1705C>T, p.Arg569Ter (NM_001370251.2); c.1579C>T, p.Arg527Ter (NM_001370260.2, NM_001370261.2, NM_130799.3); c.1474C>T, p.Arg492Ter (NM_001370262.2, NM_001370263.2); short protein forms R527*, R532*, R569*, R492*.
Identifiers: ClinVar variation 16688 (VCV000016688.55), dbSNP rs104894261, ClinGen allele CA009219.
Genomic context (GRCh38, chr11:64,804,588, plus strand): 5'-CCGGCGGTGGTGATGCTGTGGGTGCTGGCACCTGAGCCGTGCTGCCACCTTCAGGGCCTC[G>A]GGCTGTGCCAGCGACAGTCCCAGGAGGCTTCCGGGGGGGTCCTGACACTGCACCCTGGCC-3'